The following is an entry in ClinVar:

NM_007294.4(BRCA1):c.45T>G (p.Ile15Met)

Gene: BRCA1 (BRCA1 DNA repair associated; minus strand). Cytogenetic location: 17q21.31.
Variant type: single nucleotide variant.
Coding change: c.45T>G on transcript NM_007294.4 (MANE Select); coding-DNA position 45, T replaced by G.
Protein change: p.Ile15Met; replaces isoleucine 15 with methionine.
Molecular consequence: missense variant. On other transcripts: 5 prime UTR variant (1), non-coding transcript variant (1).
Genome position (GRCh38, 1-based): chr17:43,124,052, A>C on the plus strand (T>G on the coding strand, the complement: BRCA1 is on the minus strand). VCF-style: chr17-43124052-A-C. GRCh37 (hg19) VCF-style: chr17-41276069-A-C.
Other names: c.-144T>G (NM_001407571.1, NM_001407853.1, NM_001407879.1 and 46 more transcripts); c.45T>G, p.Ile15Met (NM_001407581.1, NM_001407582.1, NM_001407583.1 and 193 more transcripts); c.-213T>G (NM_001407694.1, NM_001407724.1, NM_001407727.1 and 11 more transcripts); c.-217T>G (NM_001407695.1, NM_001408465.1); c.-358T>G (NM_001407696.1); c.-242T>G (NM_001407697.1, NM_001407846.1, NM_001407920.1); c.-43T>G (NM_001407698.1, NM_001407732.1, NM_001407736.1 and 23 more transcripts); c.-216T>G (NM_001407725.1, NM_001407730.1, NM_001407734.1 and 22 more transcripts); and 8 more; short protein forms I15M.
Identifiers: ClinVar variation 867714 (VCV000867714.3), dbSNP rs2055730198, ClinGen allele CA10602070.

Conditions:
Breast-ovarian cancer, familial, susceptibility to, 1 (BROVCA1). Also called: BRCA1 Hereditary Breast and Ovarian Cancer; OVARIAN CANCER, SUSCEPTIBILITY TO. Identifiers: Orphanet 145, MedGen C2676676, MONDO:0011450, OMIM 604370. Disease mechanism: loss of function.

Submission:

Brotman Baty Institute, University of Washington
No classification provided (evidence only). Condition: Breast-ovarian cancer, familial 1. Review status: no classification provided. Collection method: in vitro. Allele origin: not applicable. Functional consequence: functionally_normal.
ClinVar note: "not provided" was previously submitted as the classification for the variant. However, the classification appeared to be based only on an observation of functional data so it was converted to no classification on 2025-07-30.